The following is an entry in ClinVar:

NC_000005.9:g.(?_86627145)_(86659341_?)del

Gene: RASA1 (RAS p21 protein activator 1; plus strand). Cytogenetic location: 5q14.3.
Variant type: Deletion.
Identifiers: ClinVar variation 1474051 (VCV001474051.5).

ClinVar aggregate classification (germline): Uncertain significance (1 of 4 stars; one submission).

Conditions:
Capillary malformation-arteriovenous malformation syndrome. Also called: Capillary malformation-arteriovenous malformation. Identifiers: Orphanet 137667, MedGen C1842180, MONDO:0012016.

Submission:

Labcorp Genetics (formerly Invitae), Labcorp
Classification: Uncertain significance for Capillary malformation-arteriovenous malformation syndrome. Last evaluated: 2021-10-10. Review status: criteria provided, single submitter. Criteria: Invitae Variant Classification Sherloc (09022015). Collection method: clinical testing. Allele origin: germline.
Comment: In summary, the available evidence is currently insufficient to determine the role of this variant in disease. Therefore, it has been classified as a Variant of Uncertain Significance. Experimental studies and prediction algorithms are not available or were not evaluated, and the functional significance of this variant is currently unknown. This variant has not been reported in the literature in individuals affected with RASA1-related conditions. This variant is a gross deletion of the genomic region encompassing exon(s) 2-11 of the RASA1 gene. This variant would be expected to be in-frame, preserving the integrity of the reading frame.